The following is an entry in ClinVar:

ClinVar aggregate classification (germline): Uncertain significance (1 of 4 stars; one submission).

Conditions:
CEP120-related disorder. Also called: CEP120-related condition; CEP120-Related Disorders.

gnomAD v4.1: 2 of 1,614,100 alleles (0.00012%); highest among the groups gnomAD compares: Non-Finnish European, 0.000085%; no homozygotes.

Submission:

PreventionGenetics, part of Exact Sciences
Classification: Uncertain significance for CEP120-related condition. Last evaluated: 2025-05-17. Review status: criteria provided, single submitter. Criteria: ACMG Guidelines, 2015. Collection method: clinical testing. Allele origin: germline.
Comment: The CEP120 c.953A>G variant is predicted to result in the amino acid substitution p.Lys318Arg. To our knowledge, this variant has not been reported in the literature or in a large population database (gnomAD), indicating this variant is rare. At this time, the clinical significance of this variant is uncertain due to the absence of conclusive functional and genetic evidence.

NM_001375405.1(CEP120):c.953A>G (p.Lys318Arg)

Gene: CEP120 (centrosomal protein 120; minus strand). Cytogenetic location: 5q23.2.
Variant type: single nucleotide variant.
Coding change: c.953A>G on transcript NM_001375405.1 (MANE Select); coding-DNA position 953, A replaced by G.
Protein change: p.Lys318Arg; replaces lysine 318 with arginine.
Molecular consequence: missense variant. On other transcripts: non-coding transcript variant (1).
Genome position (GRCh38, 1-based): chr5:123,391,195, T>C on the plus strand (A>G on the coding strand, the complement: CEP120 is on the minus strand). VCF-style: chr5-123391195-T-C. GRCh37 (hg19) VCF-style: chr5-122726889-T-C.
Other names: c.875A>G, p.Lys292Arg (NM_001166226.2); c.953A>G, p.Lys318Arg (NM_001375406.1, NM_001375407.1, NM_153223.4); c.380A>G, p.Lys127Arg (NM_001375408.1, NM_001375409.1); short protein forms K318R, K127R, K292R.
Identifiers: ClinVar variation 4999725 (VCV004999725.1).